The following is an entry in ClinVar:

NM_016239.4(MYO15A):c.4152C>G (p.Ile1384Met)

Gene: MYO15A (myosin XVA; plus strand). Cytogenetic location: 17p11.2.
Variant type: single nucleotide variant.
Coding change: c.4152C>G on transcript NM_016239.4 (MANE Select); coding-DNA position 4152, C replaced by G.
Protein change: p.Ile1384Met; replaces isoleucine 1384 with methionine.
Molecular consequence: missense variant.
Genome position (GRCh38, 1-based): chr17:18,131,477, C>G. VCF-style: chr17-18131477-C-G. GRCh37 (hg19) VCF-style: chr17-18034791-C-G.
Other names: short protein forms I1384M.
Identifiers: ClinVar variation 1310548 (VCV001310548.3), dbSNP rs367808745, ClinGen allele CA8423787.

ClinVar aggregate classification (germline): Uncertain significance. Review status: criteria provided, multiple submitters, no conflicts (2 of 4 stars). 2 submissions from 2 submitters: Uncertain significance (2). Last evaluated 2024-10-12.

Conditions:
Inborn genetic diseases. Identifiers: MedGen C0950123, MeSH D030342.

Allele frequency attached by ClinVar (database versions not stated): gnomAD 0.00001 and 0.00003; gnomAD exomes 0.00004 and 0.00010; ExAC 0.00005; TOPMed 0.00005; ESP Exome Variant Server 0.00008.
gnomAD v4.1: 151 of 1,613,928 alleles (0.0094%); highest among the groups gnomAD compares: Non-Finnish European, 0.012%; no homozygotes.

Submissions (2):

Ambry Genetics
Classification: Uncertain significance for Inborn genetic diseases. Last evaluated: 2024-10-12. Review status: criteria provided, single submitter. Criteria: Ambry Variant Classification Scheme 2023. Collection method: clinical testing. Allele origin: germline.

GeneDx
Classification: Uncertain significance. Last evaluated: 2019-12-03. Review status: criteria provided, single submitter. Criteria: GeneDx Variant Classification Process June 2021. Collection method: clinical testing. Allele origin: germline. Affected: yes.
Comment: In silico analysis, which includes protein predictors and evolutionary conservation, supports a deleterious effect